The following is an entry in ClinVar:

NM_001384474.1(LOXHD1):c.2721C>T (p.Asp907=)

Gene: LOXHD1 (lipoxygenase homology PLAT domains 1; minus strand). Cytogenetic location: 18q21.1.
Variant type: single nucleotide variant.
Coding change: c.2721C>T on transcript NM_001384474.1 (MANE Select); coding-DNA position 2721, C replaced by T.
Protein change: p.Asp907=; no amino-acid change (aspartic acid 907 retained).
Molecular consequence: synonymous variant.
Genome position (GRCh38, 1-based): chr18:46,560,423, G>A on the plus strand (C>T on the coding strand, the complement: LOXHD1 is on the minus strand). VCF-style: chr18-46560423-G-A. GRCh37 (hg19) VCF-style: chr18-44140386-G-A.
Other names: c.2721C>T, p.Asp907= (NM_144612.7).
Identifiers: ClinVar variation 729074 (VCV000729074.16), dbSNP rs755305237, ClinGen allele CA8952624.

ClinVar aggregate classification (germline): Likely benign. Review status: criteria provided, multiple submitters, no conflicts (2 of 4 stars). 4 submissions from 4 submitters: Likely benign (3). 1 of the submissions does not count toward it. Last evaluated 2025-11-08.

Conditions:
Autosomal recessive nonsyndromic hearing loss 77. Identifiers: Orphanet 90636, MedGen C2746083, MONDO:0013119, OMIM 613079.

Allele frequency attached by ClinVar (database versions not stated): gnomAD 0.00003 and 0.00004; ExAC 0.00005; TOPMed 0.00005; gnomAD exomes 0.00006.
gnomAD v4.1: 22 of 1,547,228 alleles (0.0014%); highest among the groups gnomAD compares: Admixed American, 0.02%; no homozygotes.

Submissions (4):

Labcorp Genetics (formerly Invitae), Labcorp
Classification: Likely benign. Last evaluated: 2025-11-08. Review status: criteria provided, single submitter. Criteria: Invitae Variant Classification Sherloc (09022015). Collection method: clinical testing. Allele origin: germline.

Laboratory for Molecular Medicine, Mass General Brigham Personalized Medicine
Classification: Likely benign. Last evaluated: 2019-10-21. Review status: criteria provided, single submitter. Criteria: LMM Criteria. Collection method: clinical testing. Allele origin: germline. Observed: 1 variant allele.
Comment: The p.Asp907Asp variant in LOXHD1 is classified as likely benign because it does not alter an amino acid residue, it is not located within the splice consensus sequence, and splice prediction algorithms do not predict a newly created splice site. ACMG/AMP Criteria applied: BP4, BP7.

Breakthrough Genomics
Classification: Likely benign. Review status: criteria provided, single submitter. Criteria: ACMG Guidelines, 2015. Collection method: not provided. Allele origin: germline. Inheritance: Autosomal recessive inheritance. Affected: yes.

Natera, Inc.
Classification: Uncertain significance for Autosomal recessive deafness type 77. Last evaluated: 2020-03-17. Review status: no assertion criteria provided. Collection method: clinical testing. Allele origin: germline. Not counted in ClinVar's aggregate classification.